The following is an entry in ClinVar:

ClinVar aggregate classification (germline): Uncertain significance. Review status: criteria provided, multiple submitters, no conflicts (2 of 4 stars). 4 submissions from 4 submitters: Uncertain significance (3). 1 of the submissions does not count toward it. Last evaluated 2026-04-10.

Conditions:
ZNF469-related disorder. Also called: ZNF469-related condition.
Cardiovascular phenotype. Identifiers: MedGen CN230736.

Submissions (4):

Ambry Genetics
Classification: Uncertain significance for Cardiovascular phenotype. Last evaluated: 2026-04-10. Review status: criteria provided, single submitter. Criteria: Ambry Variant Classification Scheme 2023. Collection method: clinical testing. Allele origin: germline.
Comment: The c.11408_11418del11insA variant, located in coding exon 2 of the ZNF469 gene, results from the deletion of 11 nucleotides and insertion of one nucleotide causing a translational frameshift with a predicted alternate stop codon (p.V3803Efs*107). This alteration occurs at the 3' terminus of theZNF469 gene, is not expected to trigger nonsense-mediated mRNAdecay, and only impacts the last 123 amino acids of the protein. The exact functional effect of this alteration is unknown. Since supporting evidence is limited at this time, the clinical significance of this alteration remains unclear.

Women's Health and Genetics/Laboratory Corporation of America, LabCorp
Classification: Uncertain significance. Last evaluated: 2025-04-02. Review status: criteria provided, single submitter. Criteria: LabCorp Variant Classification Summary - May 2015. Collection method: clinical testing. Allele origin: germline.
Comment: Variant summary: ZNF469 c.11492_11502delinsA (p.Val3831GlufsX107) results in a premature termination codon, predicted to cause a truncation of the encoded protein, however current evidence is not sufficient to establish whether loss of this region is important for protein function. The variant was absent in 184976 control chromosomes. The available data on variant occurrences in the general population are insufficient to allow any conclusion about variant significance. To our knowledge, no occurrence of c.11492_11502delinsA in individuals affected with Brittle cornea syndrome 1 and no experimental evidence demonstrating its impact on protein function have been reported. ClinVar contains an entry for this variant (Variation ID: 3344469). Based on the evidence outlined above, the variant was classified as uncertain significance.

Mayo Clinic Laboratories, Mayo Clinic
Classification: Uncertain significance. Last evaluated: 2023-09-07. Review status: criteria provided, single submitter. Criteria: ACMG Guidelines, 2015. Collection method: clinical testing. Allele origin: germline. Observed: 1 variant allele.
Comment: PM2, PVS1_moderate

PreventionGenetics, part of Exact Sciences
Classification: Uncertain significance for ZNF469-related condition. Last evaluated: 2024-08-16. Review status: no assertion criteria provided. Collection method: clinical testing. Allele origin: germline. Not counted in ClinVar's aggregate classification.
Comment: The ZNF469 c.11408_11418delinsA variant is predicted to result in a frameshift and premature protein termination (p.Val3803Glufs*107). To our knowledge, this variant has not been reported in the literature or in a large population database, indicating this variant is rare. Although we suspect that this variant may be pathogenic, at this time, the clinical significance of this variant is uncertain due to the absence of conclusive functional and genetic evidence.

NM_001367624.2(ZNF469):c.11492_11502delinsA (p.Val3831fs)

Gene: ZNF469 (zinc finger protein 469; plus strand). Cytogenetic location: 16q24.2.
Variant type: Indel.
Coding change: c.11492_11502delinsA on transcript NM_001367624.2 (MANE Select); coding-DNA positions 11492 to 11502, TGGGGAGCTTC replaced by A.
Protein change: p.Val3831fs; shifts the reading frame from valine 3831.
Molecular consequence: frameshift variant.
Genome position (GRCh38, 1-based): chr16:88,438,962-88,438,972, TGGGGAGCTTC replaced by A. VCF-style: chr16-88438962-TGGGGAGCTTC-A. GRCh37 (hg19) VCF-style: chr16-88505370-TGGGGAGCTTC-A.
Other names: NM_001127464.2:c.11408_11418delinsA; p.Val3831Glufs*107; NM_001127464.1:c.11408_11418del11insA; short protein forms V3831fs.
Identifiers: ClinVar variation 3344469 (VCV003344469.5).